The following is an entry in ClinVar:

ClinVar aggregate classification (germline): Benign/Likely benign. Review status: criteria provided, multiple submitters, no conflicts (2 of 4 stars). 11 submissions from 11 submitters: Benign (1); Likely benign (10). Last evaluated 2026-01-19.

Conditions:
Familial adenomatous polyposis 1 (FAP1). Also called: FAMILIAL ADENOMATOUS POLYPOSIS 1, ATTENUATED; POLYPOSIS, ADENOMATOUS INTESTINAL. Identifiers: MedGen C2713442, MONDO:0021056, OMIM 175100. Disease mechanism: loss of function.
Classic or attenuated familial adenomatous polyposis. Identifiers: MedGen CN372698, MONDO:0021057.
Hereditary cancer-predisposing syndrome. Also called: Tumor predisposition; Neoplastic Syndromes, Hereditary; Hereditary neoplastic syndrome; Hereditary Cancer Syndrome. Identifiers: Orphanet 140162, MedGen C0027672, MeSH D009386, MONDO:0015356.

Allele frequency attached by ClinVar (database versions not stated): TOPMed 0.00001; ESP Exome Variant Server 0.00008.
gnomAD v4.1: 39 of 1,613,944 alleles (0.0024%); highest among the groups gnomAD compares: African/African-American, 0.0053%; no homozygotes.

Submissions (11):

Labcorp Genetics (formerly Invitae), Labcorp
Classification: Likely benign for Familial adenomatous polyposis 1. Last evaluated: 2026-01-19. Review status: criteria provided, single submitter. Criteria: Invitae Variant Classification Sherloc (09022015). Collection method: clinical testing. Allele origin: germline.

Department of Pathology and Laboratory Medicine, Sinai Health System
Classification: Likely benign for classic or attenuated familial adenomatous polyposis. Last evaluated: 2025-02-20. Review status: criteria provided, single submitter. Criteria: ACMG Guidelines, 2015. Collection method: clinical testing. Allele origin: germline.

Hereditary Cancer Laboratory, Hospital Universitario 12 de Octubre
Classification: Likely benign for Hereditary cancer-predisposing syndrome. Last evaluated: 2024-09-09. Review status: criteria provided, single submitter. Criteria: ACMG Guidelines, 2015. Collection method: clinical testing. Allele origin: germline.
Comment: PM2+BP4+BP6+BP7

Myriad Genetics, Inc.
Classification: Benign for Familial adenomatous polyposis 1. Last evaluated: 2024-03-26. Review status: criteria provided, single submitter. Criteria: Myriad Autosomal Dominant, Autosomal Recessive and X-Linked Classification Criteria (2023). Collection method: clinical testing. Allele origin: unknown.
Comment: This variant is considered benign. This variant is a silent/synonymous amino acid change and it is not expected to impact splicing.

All of Us Research Program, National Institutes of Health
Classification: Likely benign for Classic or attenuated familial adenomatous polyposis. Last evaluated: 2023-10-27. Review status: criteria provided, single submitter. Criteria: ACMG Guidelines, 2015. Collection method: clinical testing. Allele origin: germline. Inheritance: Autosomal dominant inheritance. Observed: 3 variant alleles, 3 heterozygotes.
Comment: This study involves interpretation of variants in research participants for the purpose of population health screening. Participant phenotype was not available at the time of variant classification. Additional details can be found in publication PMID: 35346344, PMCID: PMC8962531

Quest Diagnostics Nichols Institute San Juan Capistrano
Classification: Likely benign. Last evaluated: 2023-07-28. Review status: criteria provided, single submitter. Criteria: Quest Diagnostics criteria. Collection method: clinical testing. Allele origin: unknown.

Sema4
Classification: Likely benign for Hereditary cancer-predisposing syndrome. Last evaluated: 2021-10-07. Review status: criteria provided, single submitter. Criteria: Sema4 Curation Guidelines. Collection method: curation. Allele origin: germline.

GeneDx
Classification: Likely benign. Last evaluated: 2020-10-19. Review status: criteria provided, single submitter. Criteria: GeneDx Variant Classification Process June 2021. Collection method: clinical testing. Allele origin: germline. Affected: yes.

Women's Health and Genetics/Laboratory Corporation of America, LabCorp
Classification: Likely benign. Last evaluated: 2020-01-25. Review status: criteria provided, single submitter. Criteria: LabCorp Variant Classification Summary - May 2015. Collection method: clinical testing. Allele origin: germline.

Color Diagnostics, LLC DBA Color Health
Classification: Likely benign for Hereditary cancer-predisposing syndrome. Last evaluated: 2016-11-12. Review status: criteria provided, single submitter. Criteria: ACMG Guidelines, 2015. Collection method: clinical testing. Allele origin: germline.

Ambry Genetics
Classification: Likely benign for Hereditary cancer-predisposing syndrome. Last evaluated: 2015-07-17. Review status: criteria provided, single submitter. Criteria: Ambry Variant Classification Scheme 2023. Collection method: clinical testing. Allele origin: germline.

Literature cited by the submitters: PubMed 28569743 (cited by Quest Diagnostics Nichols Institute San Juan Capistrano).

NM_000038.6(APC):c.4200G>A (p.Ser1400=)

Gene: APC (APC regulator of Wnt signaling pathway; plus strand). Cytogenetic location: 5q22.2.
Variant type: single nucleotide variant.
Coding change: c.4200G>A on transcript NM_000038.6 (MANE Select); coding-DNA position 4200, G replaced by A.
Protein change: p.Ser1400=; no amino-acid change (serine 1400 retained).
Molecular consequence: synonymous variant.
Genome position (GRCh38, 1-based): chr5:112,839,794, G>A. VCF-style: chr5-112839794-G-A. GRCh37 (hg19) VCF-style: chr5-112175491-G-A.
Other names: c.4200G>A, p.Ser1400= (NM_001127510.3, NM_001354895.2); c.4146G>A, p.Ser1382= (NM_001127511.3); c.4254G>A, p.Ser1418= (NM_001354896.2); c.4230G>A, p.Ser1410= (NM_001354897.2); c.4125G>A, p.Ser1375= (NM_001354898.2); c.4116G>A, p.Ser1372= (NM_001354899.2); c.4077G>A, p.Ser1359= (NM_001354900.2); c.4023G>A, p.Ser1341= (NM_001354901.2); and 5 more.
Identifiers: ClinVar variation 416714 (VCV000416714.25), dbSNP rs367782881, ClinGen allele CA037896.